The following is an entry in ClinVar:

ClinVar aggregate classification (germline): Pathogenic (0 of 4 stars; one submission).

Conditions:
Fanconi anemia complementation group A (FANCA). Also called: Fanconi anemia, group A; FANCA-Related Fanconi Anemia. Identifiers: Orphanet 84, MedGen C3469521, MONDO:0009215, OMIM 227650.

Submission:

Leiden Open Variation Database
Classification: Pathogenic for Fanconi anemia complementation group A. Last evaluated: 2020-02-28. Review status: no assertion criteria provided. Collection method: curation. Allele origin: germline. Affected: yes.
Comment: Curator: Arleen D. Auerbach. Submitter to LOVD: Arleen D. Auerbach.

Literature cited by the submitters: PubMed 25168418.

NC_000016.10:g.88324086_88342529del

Variant type: Deletion.
Identifiers: ClinVar variation 974318 (VCV000974318.1).